The following is an entry in ClinVar:

ClinVar aggregate classification (germline): Pathogenic (1 of 4 stars; one submission).

Conditions:
Mucopolysaccharidosis type 1. Also called: IDUA deficiency; MPS I; Mucopolysaccharidosis Type I. Identifiers: Orphanet 579, MedGen C0023786, MONDO:0001586.

Submission:

Myriad Genetics, Inc.
Classification: Pathogenic for Mucopolysaccharidosis type 1. Last evaluated: 2023-09-27. Review status: criteria provided, single submitter. Criteria: Myriad Autosomal Dominant, Autosomal Recessive and X-Linked Classification Criteria (2023). Collection method: clinical testing. Allele origin: unknown.
Comment: NM_000203.3(IDUA):c.1603dupC(L535Pfs*37) is expected to be pathogenic in the context of mucopolysaccharidosis type I. This variant is predicted to lead to an abnormal or absent protein product due to the creation of a premature termination codon in IDUA, a gene where loss-of-function variants are known to be pathogenic. Please note: this variant was assessed in the context of healthy population screening.

NM_000203.5(IDUA):c.1603dup (p.Leu535fs)

Gene: IDUA (alpha-L-iduronidase; plus strand). Cytogenetic location: 4p16.3.
Variant type: Duplication.
Coding change: c.1603dup on transcript NM_000203.5 (MANE Select); coding-DNA position 1603, one base duplicated (C; older notation c.1603dupC).
Protein change: p.Leu535fs; shifts the reading frame from leucine 535.
Molecular consequence: frameshift variant. On other transcripts: non-coding transcript variant (1).
Genome position (GRCh38, 1-based): chr4:1,003,423, C duplicated. VCF-style (leftmost placement, unchanged base first): chr4-1003422-G-GC. GRCh37 (hg19) VCF-style: chr4-997210-G-GC.
Other names: c.1207dup, p.Leu403fs (NM_001363576.1); short protein forms L403fs, L535fs.
Identifiers: ClinVar variation 5012185 (VCV005012185.1).